The following is an entry in ClinVar:

ClinVar aggregate classification (germline): Uncertain significance (1 of 4 stars; one submission).

Conditions:
Neuroblastoma, susceptibility to, 3. Also called: ALK-Related Neuroblastic Tumor Susceptibility. Identifiers: Orphanet 635, MedGen C2751681, MONDO:0013083, OMIM 613014.

Submission:

Labcorp Genetics (formerly Invitae), Labcorp
Classification: Uncertain significance for Neuroblastoma, susceptibility to, 3. Last evaluated: 2024-10-28. Review status: criteria provided, single submitter. Criteria: Invitae Variant Classification Sherloc (09022015). Collection method: clinical testing. Allele origin: germline.
Comment: This sequence change replaces proline, which is neutral and non-polar, with alanine, which is neutral and non-polar, at codon 1292 of the ALK protein (p.Pro1292Ala). This variant is not present in population databases (gnomAD no frequency). This variant has not been reported in the literature in individuals affected with ALK-related conditions. An algorithm developed to predict the effect of missense changes on protein structure and function (PolyPhen-2) suggests that this variant is likely to be disruptive. In summary, the available evidence is currently insufficient to determine the role of this variant in disease. Therefore, it has been classified as a Variant of Uncertain Significance.

NM_004304.5(ALK):c.3874C>G (p.Pro1292Ala)

Gene: ALK (ALK receptor tyrosine kinase; minus strand). Cytogenetic location: 2p23.2.
Variant type: single nucleotide variant.
Coding change: c.3874C>G on transcript NM_004304.5 (MANE Select); coding-DNA position 3874, C replaced by G.
Protein change: p.Pro1292Ala; replaces proline 1292 with alanine.
Molecular consequence: missense variant.
Genome position (GRCh38, 1-based): chr2:29,207,235, G>C on the plus strand (C>G on the coding strand, the complement: ALK is on the minus strand). VCF-style: chr2-29207235-G-C. GRCh37 (hg19) VCF-style: chr2-29430101-G-C.
Other names: c.670C>G, p.Pro224Ala (NM_001353765.2); short protein forms P224A, P1292A.
Identifiers: ClinVar variation 3666374 (VCV003666374.2).